The following is an entry in ClinVar:

NM_001348768.2(HECW2):c.4118T>A (p.Phe1373Tyr)

Gene: HECW2 (HECT, C2 and WW domain containing E3 ubiquitin protein ligase 2; minus strand). Cytogenetic location: 2q32.3.
Variant type: single nucleotide variant.
Coding change: c.4118T>A on transcript NM_001348768.2 (MANE Select); coding-DNA position 4118, T replaced by A.
Protein change: p.Phe1373Tyr; replaces phenylalanine 1373 with tyrosine.
Molecular consequence: missense variant.
Genome position (GRCh38, 1-based): chr2:196,222,239, A>T on the plus strand (T>A on the coding strand, the complement: HECW2 is on the minus strand). VCF-style: chr2-196222239-A-T. GRCh37 (hg19) VCF-style: chr2-197086963-A-T.
Other names: c.3050T>A, p.Phe1017Tyr (NM_001304840.3); c.4118T>A, p.Phe1373Tyr (NM_020760.4); short protein forms F1017Y, F1373Y.
Identifiers: ClinVar variation 4855710 (VCV004855710.1).

ClinVar aggregate classification (germline): Uncertain significance (1 of 4 stars; one submission).

Conditions:
Neurodevelopmental disorder with hypotonia, seizures, and absent language (NDHSAL). Identifiers: MedGen C4310643, MONDO:0014995, OMIM 617268.

Submission:

3billion
Classification: Uncertain significance for Neurodevelopmental disorder with hypotonia, seizures, and absent language. Last evaluated: 2025-10-29. Review status: criteria provided, single submitter. Criteria: ACMG Guidelines, 2015. Collection method: clinical testing. Allele origin: germline. Affected: yes.
Comment: The variant is not observed in the gnomAD v4.1.0 dataset. Predicted Consequence/Location: Missense variant. Missense changes are a common disease-causing mechanism. In silico tool predictions suggest damaging effect of the variant on gene or gene product [REVEL: 0.84 (>=0.6, sensitivity 0.68 and specificity 0.92); 3Cnet: 0.86 (> 0.75, sensitivity 0.96 and precision 0.92)]. Therefore, this variant is classified as VUS according to the recommendation of ACMG/AMP guideline.